The following is an entry in ClinVar:

NM_024675.4(PALB2):c.450_466dup (p.Ile156fs)

Gene: PALB2 (partner and localizer of BRCA2; minus strand). Cytogenetic location: 16p12.2.
Variant type: Duplication.
Coding change: c.450_466dup on transcript NM_024675.4 (MANE Select); coding-DNA positions 450 to 466, 17 bases duplicated (GCAGAAGAGGACATTTA).
Protein change: p.Ile156fs; shifts the reading frame from isoleucine 156.
Molecular consequence: frameshift variant. On other transcripts: 5 prime UTR variant (8), intron variant (3).
Genome position (GRCh38, 1-based): chr16:23,636,080-23,636,096, TAAATGTCCTCTTCTGC duplicated on the plus strand (GCAGAAGAGGACATTTA on the coding strand, the reverse complement: PALB2 is on the minus strand); duplicating any 17 consecutive bases within chr16:23,636,080-23,636,097 gives the same sequence; the c. name uses the placement nearest the transcript's 3' end. VCF-style (leftmost placement, unchanged base first): chr16-23636079-A-ATAAATGTCCTCTTCTGC. GRCh37 (hg19) VCF-style: chr16-23647400-A-ATAAATGTCCTCTTCTGC.
Other names: c.390_406dup, p.Ile136fs (NM_001407296.1); c.450_466dup, p.Ile156fs (NM_001407297.1, NM_001407298.1, NM_001407299.1 and 3 more transcripts); c.-436_-420dup (NM_001407304.1, NM_001407305.1, NM_001407306.1 and 5 more transcripts); c.48+5014_48+5030dup (NM_001407314.1); c.-105+5014_-105+5030dup (NM_001407313.1, NM_001407312.1); short protein forms I136fs, I156fs.
Identifiers: ClinVar variation 4071373 (VCV004071373.3).
Genomic context (GRCh38, chr16:23,636,079, plus strand): 5'-AGTCTTTTCCCAGACAATCTGAGTGAATCAGTGCCAAAGACACAGTCTCTCTCCTGTGAA[A>ATAAATGTCCTCTTCTGC]TAAATGTCCTCTTCTGCTGCTTCTTTCTTCTGCTTGGCAGCTTCTGCTTTTGCTCACCAC-3'

ClinVar aggregate classification (germline): Pathogenic. Review status: criteria provided, multiple submitters, no conflicts (2 of 4 stars). 2 submissions from 2 submitters: Pathogenic (2). Last evaluated 2025-04-17.

Conditions:
Breast-ovarian cancer, familial, susceptibility to, 5 (BROVCA5). Identifiers: MedGen C5830615, MONDO:0957530, OMIM 620442.
Pancreatic cancer, susceptibility to, 3. Identifiers: Orphanet 1333, MedGen C3150547, MONDO:0013236, OMIM 613348.
Fanconi anemia complementation group N. Also called: PALB2-Related Fanconi Anemia. Identifiers: Orphanet 84, MedGen C1835817, MONDO:0012565, OMIM 610832. Disease mechanism: loss of function.
Familial cancer of breast. Also called: BREAST CANCER, FAMILIAL; Hereditary breast cancer; hereditary breast carcinoma. Identifiers: Orphanet 227535, MedGen C0346153, MONDO:0016419, OMIM 114480. Disease mechanism: loss of function.

Submissions (2):

Myriad Genetics, Inc.
Classification: Pathogenic for Familial cancer of breast. Last evaluated: 2025-04-17. Review status: criteria provided, single submitter. Criteria: Myriad Autosomal Dominant, Autosomal Recessive and X-Linked Classification Criteria (2023). Collection method: clinical testing. Allele origin: unknown.
Comment: This variant is considered pathogenic. This variant creates a frameshift predicted to result in premature protein truncation.

Juno Genomics, Hangzhou Juno Genomics, Inc
Classification: Pathogenic for Breast-ovarian cancer, familial, susceptibility to, 5; Pancreatic cancer, susceptibility to, 3; Fanconi anemia complementation group N. Review status: criteria provided, single submitter. Criteria: ACMG Guidelines, 2015. Collection method: clinical testing. Allele origin: germline.
Comment: Absent from controls (or at extremely low frequency if recessive) in Genome Aggregation Database.;Null variant in a gene where loss of function (LOF) is a known mechanism of disease.;Novel missense change at an amino acid residue where a different missense change determined to be pathogenic has been seen before.